The following is an entry in ClinVar:

NM_000719.7(CACNA1C):c.4102G>T (p.Val1368Leu)

Gene: CACNA1C (calcium voltage-gated channel subunit alpha1 C; plus strand). Cytogenetic location: 12p13.33.
Variant type: single nucleotide variant.
Coding change: c.4102G>T on transcript NM_000719.7 (MANE Select); coding-DNA position 4102, G replaced by T.
Protein change: p.Val1368Leu; replaces valine 1368 with leucine.
Molecular consequence: missense variant.
Genome position (GRCh38, 1-based): chr12:2,653,862, G>T. VCF-style: chr12-2653862-G-T. GRCh37 (hg19) VCF-style: chr12-2763028-G-T.
Other names: c.4246G>T, p.Val1416Leu (NM_001129827.2, NM_199460.4); c.4168G>T, p.Val1390Leu (NM_001129829.2); c.4102G>T, p.Val1368Leu (NM_001129830.3, NM_001129833.2, NM_001129834.2 and 7 more transcripts); c.4186G>T, p.Val1396Leu (NM_001129831.2); c.4162G>T, p.Val1388Leu (NM_001129832.2); c.4153G>T, p.Val1385Leu (NM_001129836.2); c.4069G>T, p.Val1357Leu (NM_001129837.2, NM_001129838.2, NM_001129846.2 and 1 more transcripts); c.4063G>T, p.Val1355Leu (NM_001129839.2); and 1 more; short protein forms V1355L, V1357L, V1365L, V1368L, V1385L, V1388L, V1390L, V1396L.
Identifiers: ClinVar variation 1677346 (VCV001677346.6), dbSNP rs1234874360, ClinGen allele CA383373974.
Genomic context (GRCh38, chr12:2,653,862, plus strand): 5'-AGCCTCATGGGAGTCTCCTGCACTTCCTTCCAGGCCCTGCCCTATGTGGCCCTCCTGATC[G>T]TGATGCTGTTCTTCATCTACGCGGTGATCGGGATGCAGGTAGGGAGGCTCCCACCACGGG-3'
Protein context (NP_000710.5, residues 1358-1378): QALPYVALLI[Val1368Leu]MLFFIYAVIG

ClinVar aggregate classification (germline): Uncertain significance. Review status: criteria provided, multiple submitters, no conflicts (2 of 4 stars). 2 submissions from 2 submitters: Uncertain significance (2). Last evaluated 2025-01-08.

Conditions:
Long QT syndrome (LQTS). Identifiers: MedGen C0023976, MeSH D008133, MONDO:0002442. Disease mechanism: loss of function. Inheritance: Various modes of inheritance.

gnomAD v4.1: 1 of 1,613,762 alleles (0.000062%); highest among the groups gnomAD compares: African/African-American, 0.0013%; no homozygotes.

Submissions (2):

Labcorp Genetics (formerly Invitae), Labcorp
Classification: Uncertain significance for Long QT syndrome. Last evaluated: 2025-01-08. Review status: criteria provided, single submitter. Criteria: Invitae Variant Classification Sherloc (09022015). Collection method: clinical testing. Allele origin: germline.
Comment: This sequence change replaces valine, which is neutral and non-polar, with leucine, which is neutral and non-polar, at codon 1368 of the CACNA1C protein (p.Val1368Leu). This variant is not present in population databases (gnomAD no frequency). This variant has not been reported in the literature in individuals affected with CACNA1C-related conditions. ClinVar contains an entry for this variant (Variation ID: 1677346). Invitae Evidence Modeling of protein sequence and biophysical properties (such as structural, functional, and spatial information, amino acid conservation, physicochemical variation, residue mobility, and thermodynamic stability) indicates that this missense variant is not expected to disrupt CACNA1C protein function with a negative predictive value of 95%. In summary, the available evidence is currently insufficient to determine the role of this variant in disease. Therefore, it has been classified as a Variant of Uncertain Significance.

AiLife Diagnostics
Classification: Uncertain significance. Last evaluated: 2021-07-12. Review status: criteria provided, single submitter. Criteria: ACMG Guidelines, 2015. Collection method: clinical testing. Allele origin: germline. Affected: yes. Observed: 1 variant allele.